The following is an entry in ClinVar:

ClinVar aggregate classification (germline): Uncertain significance. Review status: criteria provided, multiple submitters, no conflicts (2 of 4 stars). 3 submissions from 3 submitters: Uncertain significance (3). Last evaluated 2024-03-05.

Conditions:
Deficiency of malonyl-CoA decarboxylase. Also called: Malonic aciduria; MCD deficiency. Identifiers: Orphanet 943, MedGen C0342793, MONDO:0009556, OMIM 248360.
Inborn genetic diseases. Identifiers: MedGen C0950123, MeSH D030342.

Allele frequency attached by ClinVar (database versions not stated): TOPMed 0.00014; ESP Exome Variant Server 0.00024.
gnomAD v4.1: 269 of 1,613,964 alleles (0.017%); highest among the groups gnomAD compares: Non-Finnish European, 0.021%; no homozygotes.

Submissions (3):

Blueprint Genetics
Classification: Uncertain significance. Last evaluated: 2024-03-05. Review status: criteria provided, single submitter. Criteria: ACMG Guidelines, 2015. Collection method: clinical testing. Allele origin: germline.

Labcorp Genetics (formerly Invitae), Labcorp
Classification: Uncertain significance for Deficiency of malonyl-CoA decarboxylase. Last evaluated: 2022-07-06. Review status: criteria provided, single submitter. Criteria: Invitae Variant Classification Sherloc (09022015). Collection method: clinical testing. Allele origin: germline.
Comment: This sequence change replaces arginine, which is basic and polar, with glutamine, which is neutral and polar, at codon 392 of the MLYCD protein (p.Arg392Gln). This variant is present in population databases (rs201576638, gnomAD 0.02%). This variant has not been reported in the literature in individuals affected with MLYCD-related conditions. ClinVar contains an entry for this variant (Variation ID: 567925). Algorithms developed to predict the effect of missense changes on protein structure and function output the following: SIFT: "Tolerated"; PolyPhen-2: "Benign"; Align-GVGD: "Class C0". The glutamine amino acid residue is found in multiple mammalian species, which suggests that this missense change does not adversely affect protein function. In summary, the available evidence is currently insufficient to determine the role of this variant in disease. Therefore, it has been classified as a Variant of Uncertain Significance.

Ambry Genetics
Classification: Uncertain significance for Inborn genetic diseases. Last evaluated: 2021-08-12. Review status: criteria provided, single submitter. Criteria: Ambry Variant Classification Scheme 2023. Collection method: clinical testing. Allele origin: germline.

NM_012213.3(MLYCD):c.1175G>A (p.Arg392Gln)

Gene: MLYCD (malonyl-CoA decarboxylase; plus strand). Cytogenetic location: 16q23.3.
Variant type: single nucleotide variant.
Coding change: c.1175G>A on transcript NM_012213.3 (MANE Select); coding-DNA position 1175, G replaced by A.
Protein change: p.Arg392Gln; replaces arginine 392 with glutamine.
Molecular consequence: missense variant.
Genome position (GRCh38, 1-based): chr16:83,915,182, G>A. VCF-style: chr16-83915182-G-A. GRCh37 (hg19) VCF-style: chr16-83948787-G-A.
Other names: short protein forms R392Q.
Identifiers: ClinVar variation 567925 (VCV000567925.8), dbSNP rs201576638, ClinGen allele CA8197532.